The following is an entry in ClinVar:

NM_001042492.3(NF1):c.7839G>A (p.Pro2613=)

Gene: NF1 (neurofibromin 1; plus strand). Cytogenetic location: 17q11.2.
Variant type: single nucleotide variant.
Coding change: c.7839G>A on transcript NM_001042492.3 (MANE Select); coding-DNA position 7839, G replaced by A.
Protein change: p.Pro2613=; no amino-acid change (proline 2613 retained).
Molecular consequence: synonymous variant.
Genome position (GRCh38, 1-based): chr17:31,357,060, G>A. VCF-style: chr17-31357060-G-A. GRCh37 (hg19) VCF-style: chr17-29684078-G-A.
Other names: c.7776G>A, p.Pro2592= (NM_000267.4).
Identifiers: ClinVar variation 457856 (VCV000457856.19), dbSNP rs752218441, ClinGen allele CA8487670.
Genomic context (GRCh38, chr17:31,357,060, plus strand): 5'-ACGTAAAGTTTCAGTGTCTGAATCAAATGTTCTCTTGGATGAAGAAGTACTTACTGATCC[G>A]AAGATCCAGGCGCTGCTTCTTACTGTTCTAGTAAGGATTTCCCCTTTTTGAGTCCCCCAC-3'
Protein context (NP_001035957.1, residues 2603-2623): VLLDEEVLTD[Pro2613=]KIQALLLTVL

ClinVar aggregate classification (germline): Benign/Likely benign. Review status: criteria provided, multiple submitters, no conflicts (2 of 4 stars). 6 submissions from 6 submitters: Benign (1); Likely benign (4). 1 of the submissions does not count toward it. Last evaluated 2026-05-22.

Conditions:
Hereditary cancer-predisposing syndrome. Also called: Hereditary neoplastic syndrome; Neoplastic Syndromes, Hereditary; Hereditary Cancer Syndrome; Tumor predisposition. Identifiers: Orphanet 140162, MedGen C0027672, MeSH D009386, MONDO:0015356.
Cardiovascular phenotype. Identifiers: MedGen CN230736.
NF1-related disorder. Also called: NF1-related condition. Identifiers: MedGen CN379171.
Neurofibromatosis, type 1 (NF1). Also called: Peripheral type neurofibromatosis; Neurofibromatosis, type I; VON RECKLINGHAUSEN DISEASE; NEUROFIBROMATOSIS, TYPE I, SOMATIC. Identifiers: Orphanet 636, MedGen C0027831, MONDO:0018975, OMIM 162200. Disease mechanism: loss of function.

Allele frequency attached by ClinVar (database versions not stated): gnomAD exomes 0.00001; gnomAD 0.00001.
gnomAD v4.1: 4 of 1,613,636 alleles (0.00025%); highest among the groups gnomAD compares: African/African-American, 0.0013%; no homozygotes.

Submissions (6):

Myriad Genetics, Inc.
Classification: Benign for Neurofibromatosis, type 1. Last evaluated: 2026-05-22. Review status: criteria provided, single submitter. Criteria: Myriad Autosomal Dominant, Autosomal Recessive and X-Linked Classification Criteria (2023). Collection method: clinical testing. Allele origin: unknown.
Comment: This variant is considered benign. This variant is a silent/synonymous amino acid change and it is not expected to impact splicing.

Labcorp Genetics (formerly Invitae), Labcorp
Classification: Likely benign for Neurofibromatosis, type 1. Last evaluated: 2026-01-26. Review status: criteria provided, single submitter. Criteria: Invitae Variant Classification Sherloc (09022015). Collection method: clinical testing. Allele origin: germline.

Genome-Nilou Lab
Classification: Likely benign for Neurofibromatosis, type 1. Last evaluated: 2022-03-15. Review status: criteria provided, single submitter. Criteria: ACMG Guidelines, 2015. Collection method: clinical testing. Allele origin: germline. Affected: no.

Sema4
Classification: Likely benign for Hereditary cancer-predisposing syndrome. Last evaluated: 2022-02-04. Review status: criteria provided, single submitter. Criteria: Sema4 Curation Guidelines. Collection method: curation. Allele origin: germline.

Ambry Genetics
Classification: Likely benign for Cardiovascular phenotype; Hereditary cancer-predisposing syndrome. Last evaluated: 2016-04-05. Review status: criteria provided, single submitter. Criteria: Ambry Variant Classification Scheme 2023. Collection method: clinical testing. Allele origin: germline.

PreventionGenetics, part of Exact Sciences
Classification: Likely benign for NF1-related condition. Last evaluated: 2023-03-23. Review status: no assertion criteria provided. Collection method: clinical testing. Allele origin: germline. Not counted in ClinVar's aggregate classification.
Comment: This variant is classified as likely benign based on ACMG/AMP sequence variant interpretation guidelines (Richards et al. 2015 PMID: 25741868, with internal and published modifications).